The following is an entry in ClinVar:

NM_001267550.2(TTN):c.71202dup (p.Lys23735fs)

Genes: TTN (titin; minus strand), TTN-AS1 (TTN antisense RNA 1; plus strand). Cytogenetic location: 2q31.2.
Variant type: Duplication.
Coding change: c.71202dup on transcript NM_001267550.2 (MANE Select); coding-DNA position 71202, one base duplicated (C; older notation c.71202dupC).
Protein change: p.Lys23735fs; shifts the reading frame from lysine 23735.
Molecular consequence: frameshift variant.
Genome position (GRCh38, 1-based): chr2:178,574,930, G duplicated on the plus strand (C on the coding strand, the reverse complement: TTN is on the minus strand). VCF-style (leftmost placement, unchanged base first): chr2-178574929-T-TG. GRCh37 (hg19) VCF-style: chr2-179439656-T-TG.
Other names: c.66279dup, p.Lys22094fs (NM_001256850.1); c.44007dup, p.Lys14670fs (NM_003319.4); c.63498dup, p.Lys21167fs (NM_133378.4); c.44382dup, p.Lys14795fs (NM_133432.3); c.44583dup, p.Lys14862fs (NM_133437.4); c.66279dupC (NM_001256850.1); short protein forms K14795fs, K14862fs, K21167fs, K23735fs, K14670fs, K22094fs.
Identifiers: ClinVar variation 449165 (VCV000449165.9), dbSNP rs1553611989, ClinGen allele CA430257756.

ClinVar aggregate classification (germline): Pathogenic/Likely pathogenic. Review status: criteria provided, multiple submitters, no conflicts (2 of 4 stars). 3 submissions from 3 submitters: Pathogenic (2); Likely pathogenic (1). Last evaluated 2021-03-10.

Conditions:
Cardiomyopathy (CMYO). Also called: Cardiomyopathies. Identifiers: Orphanet 167848, MedGen C0878544, MONDO:0004994, HP:0001638. Inheritance: Various modes of inheritance.

Submissions (3):

Mayo Clinic Laboratories, Mayo Clinic
Classification: Pathogenic. Last evaluated: 2021-03-10. Review status: criteria provided, single submitter. Criteria: ACMG Guidelines, 2015. Collection method: clinical testing. Allele origin: germline. Observed: 1 variant allele.
Comment: PVS1, PM1, PS4_supporting, PM2_supporting

CHEO Genetics Diagnostic Laboratory, Children's Hospital of Eastern Ontario
Classification: Likely pathogenic for Cardiomyopathy. Last evaluated: 2019-09-12. Review status: criteria provided, single submitter. Criteria: ACMG Guidelines, 2015. Collection method: clinical testing. Allele origin: germline.

GeneDx
Classification: Pathogenic. Last evaluated: 2018-07-19. Review status: criteria provided, single submitter. Criteria: GeneDx Variant Classification (06012015). Collection method: clinical testing. Allele origin: germline. Affected: yes.
Comment: The c.66279dupC pathogenic variant in the TTN gene has not been reported previously as a pathogenic variant or as a benign variant, to our knowledge. This causes a shift in reading frame starting at codon lysine 22094, changing it to a glutamine, and creating a premature stop codon at position 3 of the new reading frame, denoted p.Lys22094GlnfsX3. This pathogenic variant is expected to result in either an abnormal, truncated protein product or loss of protein from this allele through nonsense-mediated mRNA decay. Other truncating TTN variants have been reported in approximately 3% of control alleles (Herman et al., 2012). However, c.66279dupC is located in the A-band region of titin, where the majority of truncating pathogenic variants associated with DCM have been reported (Herman et al., 2012). Finally, the c.66279dupC variant is not observed in large population cohorts (Lek et al., 2016; 1000 Genomes Consortium et al., 2015; Exome Variant Server).